The following is an entry in ClinVar:

NM_006767.4(LZTR1):c.2115G>T (p.Gln705His)

Gene: LZTR1 (leucine zipper like post translational regulator 1; plus strand). Cytogenetic location: 22q11.21.
Variant type: single nucleotide variant.
Coding change: c.2115G>T on transcript NM_006767.4 (MANE Select); coding-DNA position 2115, G replaced by T.
Protein change: p.Gln705His; replaces glutamine 705 with histidine.
Molecular consequence: missense variant.
Genome position (GRCh38, 1-based): chr22:20,996,008, G>T. VCF-style: chr22-20996008-G-T. GRCh37 (hg19) VCF-style: chr22-21350297-G-T.
Other names: short protein forms Q705H.
Identifiers: ClinVar variation 3992660 (VCV003992660.1).

ClinVar aggregate classification (germline): Uncertain significance (1 of 4 stars; one submission).

Conditions:
Cardiovascular phenotype. Identifiers: MedGen CN230736.
Hereditary cancer-predisposing syndrome. Also called: Tumor predisposition; Hereditary neoplastic syndrome; Neoplastic Syndromes, Hereditary; Hereditary Cancer Syndrome. Identifiers: Orphanet 140162, MedGen C0027672, MeSH D009386, MONDO:0015356.

Submission:

Ambry Genetics
Classification: Uncertain significance for Cardiovascular phenotype; Hereditary cancer-predisposing syndrome. Last evaluated: 2025-04-29. Review status: criteria provided, single submitter. Criteria: Ambry Variant Classification Scheme 2023. Collection method: clinical testing. Allele origin: germline.
Comment: The p.Q705H variant (also known as c.2115G>T), located in coding exon 18 of the LZTR1 gene, results from a G to T substitution at nucleotide position 2115. The glutamine at codon 705 is replaced by histidine, an amino acid with highly similar properties. This amino acid position is conserved. In addition, the in silico prediction for this alteration is inconclusive. Based on the available evidence, the clinical significance of this variant remains unclear.